The following is an entry in ClinVar:

NM_001987.5(ETV6):c.631C>A (p.Arg211Ser)

Gene: ETV6 (ETS variant transcription factor 6; plus strand). Cytogenetic location: 12p13.2.
Variant type: single nucleotide variant.
Coding change: c.631C>A on transcript NM_001987.5 (MANE Select); coding-DNA position 631, C replaced by A.
Protein change: p.Arg211Ser; replaces arginine 211 with serine.
Molecular consequence: missense variant.
Genome position (GRCh38, 1-based): chr12:11,869,591, C>A. VCF-style: chr12-11869591-C-A. GRCh37 (hg19) VCF-style: chr12-12022525-C-A.
Other names: c.628C>A, p.Arg210Ser (NM_001413913.1); c.604C>A, p.Arg202Ser (NM_001413914.1); c.367C>A, p.Arg123Ser (NM_001413915.1); c.631C>A, p.Arg211Ser (NM_001413916.1, NM_001413917.1); short protein forms R211S, R210S, R123S, R202S.
Identifiers: ClinVar variation 4618838 (VCV004618838.1).

ClinVar aggregate classification (germline): Uncertain significance (1 of 4 stars; one submission).

Conditions:
Inborn genetic diseases. Identifiers: MedGen C0950123, MeSH D030342.

gnomAD v4.1: 2 of 1,614,066 alleles (0.00012%); highest among the groups gnomAD compares: Admixed American, 0.0033%; no homozygotes.

Submission:

Ambry Genetics
Classification: Uncertain significance for Inborn genetic diseases. Last evaluated: 2025-09-19. Review status: criteria provided, single submitter. Criteria: Ambry Variant Classification Scheme 2023. Collection method: clinical testing. Allele origin: germline.
Comment: The p.R211S variant (also known as c.631C>A), located in coding exon 5 of the ETV6 gene, results from a C to A substitution at nucleotide position 631. The arginine at codon 211 is replaced by serine, an amino acid with dissimilar properties. This amino acid position is conserved. In addition, this alteration is predicted to be tolerated by in silico analysis. Based on the available evidence, the clinical significance of this variant remains unclear.